The following is an entry in ClinVar:

NM_021076.4(NEFH):c.1347G>C (p.Lys449Asn)

Gene: NEFH (neurofilament heavy chain; plus strand). Cytogenetic location: 22q12.2.
Variant type: single nucleotide variant.
Coding change: c.1347G>C on transcript NM_021076.4 (MANE Select); coding-DNA position 1347, G replaced by C.
Protein change: p.Lys449Asn; replaces lysine 449 with asparagine.
Molecular consequence: missense variant.
Genome position (GRCh38, 1-based): chr22:29,488,987, G>C. VCF-style: chr22-29488987-G-C. GRCh37 (hg19) VCF-style: chr22-29884976-G-C.
Other names: c.1347G>C (NM_021076.3); short protein forms K449N.
Identifiers: ClinVar variation 809346 (VCV000809346.53), dbSNP rs199932977, ClinGen allele CA10174192.

ClinVar aggregate classification (germline): Conflicting classifications of pathogenicity. Review status: criteria provided, conflicting classifications (1 of 4 stars). 4 submissions from 4 submitters: Uncertain significance (2); Likely benign (2). Last evaluated 2026-03-19.

Conditions:
Inborn genetic diseases. Identifiers: MedGen C0950123, MeSH D030342.
NEFH-related disorder. Also called: NEFH-related condition.

Allele frequency attached by ClinVar (database versions not stated): gnomAD 0.00003 and 0.00005; TOPMed 0.00003; gnomAD exomes 0.00004 and 0.00008; ExAC 0.00010; 1000 Genomes Project 30x 0.00016; 1000 Genomes Project 0.00020.
gnomAD v4.1: 70 of 1,614,196 alleles (0.0043%); highest among the groups gnomAD compares: Middle Eastern, 0.066%; 1 homozygote.

Submissions (4):

PreventionGenetics, part of Exact Sciences
Classification: Uncertain significance for NEFH-related condition. Last evaluated: 2026-03-19. Review status: criteria provided, single submitter. Criteria: ACMG Guidelines, 2015. Collection method: clinical testing. Allele origin: germline.
Comment: The NEFH c.1347G>C variant is predicted to result in the amino acid substitution p.Lys449Asn. To our knowledge, this variant has not been reported in the literature in individuals with NEFH-related disorders. This variant is reported in 0.036% of alleles in individuals of South Asian descent in gnomAD. At this time, the clinical significance of this variant is uncertain due to the absence of conclusive functional and genetic evidence.

Labcorp Genetics (formerly Invitae), Labcorp
Classification: Likely benign. Last evaluated: 2025-07-29. Review status: criteria provided, single submitter. Criteria: Invitae Variant Classification Sherloc (09022015). Collection method: clinical testing. Allele origin: germline.

Ambry Genetics
Classification: Likely benign for Inborn genetic diseases. Last evaluated: 2023-02-16. Review status: criteria provided, single submitter. Criteria: Ambry Variant Classification Scheme 2023. Collection method: clinical testing. Allele origin: germline.

CeGaT Center for Human Genetics Tuebingen
Classification: Uncertain significance. Last evaluated: 2017-09-01. Review status: criteria provided, single submitter. Criteria: CeGaT Center For Human Genetics Tuebingen Variant Classification Criteria Version 2. Collection method: clinical testing. Allele origin: germline. Affected: yes. Observed: 1 variant allele.